The following is an entry in ClinVar:

ClinVar aggregate classification (germline): Conflicting classifications of pathogenicity. Review status: criteria provided, conflicting classifications (1 of 4 stars). 5 submissions from 5 submitters: Uncertain significance (1); Likely benign (3). 1 of the submissions does not count toward it. Last evaluated 2026-01-19.

Conditions:
Hereditary spastic paraplegia 49 (HSAN9). Also called: Spastic paraplegia 49, autosomal recessive; TECPR2-Related Hereditary Sensory and Autonomic Neuropathy with Intellectual Disability; NEUROPATHY, HEREDITARY SENSORY AND AUTONOMIC, TYPE IX, WITH DEVELOPMENTAL DELAY. Identifiers: Orphanet 320385, MedGen C5190860, MONDO:0014016, OMIM 615031.
Hereditary spastic paraplegia. Also called: Familial spastic paraparesis. Identifiers: Orphanet 685, MedGen C0037773, MONDO:0019064. Disease mechanism: loss of function.

Allele frequency attached by ClinVar (database versions not stated): ESP Exome Variant Server 0.00008; gnomAD 0.00024 and 0.00025; TOPMed 0.00030; ExAC 0.00035; gnomAD exomes 0.00047.
gnomAD v4.1: 406 of 1,613,956 alleles (0.025%); highest among the groups gnomAD compares: South Asian, 0.024%; no homozygotes.

Submissions (5):

Labcorp Genetics (formerly Invitae), Labcorp
Classification: Likely benign for Hereditary spastic paraplegia 49. Last evaluated: 2026-01-19. Review status: criteria provided, single submitter. Criteria: Invitae Variant Classification Sherloc (09022015). Collection method: clinical testing. Allele origin: germline.

Blueprint Genetics
Classification: Likely benign. Last evaluated: 2024-10-23. Review status: criteria provided, single submitter. Criteria: ACMG Guidelines, 2015. Collection method: clinical testing. Allele origin: germline.

CeGaT Center for Human Genetics Tuebingen
Classification: Likely benign. Last evaluated: 2024-02-01. Review status: criteria provided, single submitter. Criteria: CeGaT Center For Human Genetics Tuebingen Variant Classification Criteria Version 2. Collection method: clinical testing. Allele origin: germline. Affected: yes. Observed: 1 variant allele.
Comment: TECPR2: BS1

Genome Diagnostics Laboratory, The Hospital for Sick Children
Classification: Uncertain significance for Hereditary spastic paraplegia. Last evaluated: 2019-04-01. Review status: criteria provided, single submitter. Criteria: ACMG Guidelines, 2015. Collection method: clinical testing. Allele origin: germline. Affected: yes.

Natera, Inc.
Classification: Likely benign for Autosomal recessive spastic paraplegia type 49. Last evaluated: 2020-04-17. Review status: no assertion criteria provided. Collection method: clinical testing. Allele origin: germline. Not counted in ClinVar's aggregate classification.

NM_014844.5(TECPR2):c.3831C>T (p.Asn1277=)

Gene: TECPR2 (tectonin beta-propeller repeat containing 2; plus strand). Cytogenetic location: 14q32.31.
Variant type: single nucleotide variant.
Coding change: c.3831C>T on transcript NM_014844.5 (MANE Select); coding-DNA position 3831, C replaced by T.
Protein change: p.Asn1277=; no amino-acid change (asparagine 1277 retained).
Molecular consequence: synonymous variant.
Genome position (GRCh38, 1-based): chr14:102,497,020, C>T. VCF-style: chr14-102497020-C-T. GRCh37 (hg19) VCF-style: chr14-102963357-C-T.
Other names: c.3831C>T (NM_014844.4).
Identifiers: ClinVar variation 695783 (VCV000695783.39), dbSNP rs200792120, ClinGen allele CA7358369.